The following is an entry in ClinVar:

ClinVar aggregate classification (germline): Likely benign (1 of 4 stars; one submission).

Allele frequency attached by ClinVar (database versions not stated): TOPMed below 0.00001; gnomAD 0.00001.
gnomAD v4.1: 1 of 1,613,124 alleles (0.000062%); highest among the groups gnomAD compares: African/African-American, 0.0013%; no homozygotes.

Submission:

GeneDx
Classification: Likely benign. Last evaluated: 2018-04-18. Review status: criteria provided, single submitter. Criteria: GeneDx Variant Classification (06012015). Collection method: clinical testing. Allele origin: germline. Affected: yes.
Comment: This variant is considered likely benign or benign based on one or more of the following criteria: it is a conservative change, it occurs at a poorly conserved position in the protein, it is predicted to be benign by multiple in silico algorithms, and/or has population frequency not consistent with disease.

NM_213599.3(ANO5):c.364-5T>C

Gene: ANO5 (anoctamin 5; plus strand). Cytogenetic location: 11p14.3.
Variant type: single nucleotide variant.
Coding change: c.364-5T>C on transcript NM_213599.3 (MANE Select); 5 bases into the intron before coding-DNA position 364, T replaced by C.
Molecular consequence: intron variant.
Genome position (GRCh38, 1-based): chr11:22,227,297, T>C. VCF-style: chr11-22227297-T-C. GRCh37 (hg19) VCF-style: chr11-22248843-T-C.
Other names: c.361-5T>C (NM_001142649.2).
Identifiers: ClinVar variation 682260 (VCV000682260.1), dbSNP rs1590245750, ClinGen allele CA915948018.